The following is an entry in ClinVar:

NM_014244.5(ADAMTS2):c.153dup (p.His52fs)

Gene: ADAMTS2 (ADAM metallopeptidase with thrombospondin type 1 motif 2; minus strand). Cytogenetic location: 5q35.3.
Variant type: Duplication.
Coding change: c.153dup on transcript NM_014244.5 (MANE Select); coding-DNA position 153, one base duplicated (G; older notation c.153dupG).
Protein change: p.His52fs; shifts the reading frame from histidine 52.
Molecular consequence: frameshift variant.
Genome position (GRCh38, 1-based): chr5:179,344,148, C duplicated on the plus strand (G on the coding strand, the reverse complement: ADAMTS2 is on the minus strand); the first of 4 consecutive C bases (chr5:179,344,148-179,344,151); duplicating any one gives the same sequence. VCF-style (leftmost placement, unchanged base first): chr5-179344147-G-GC. GRCh37 (hg19) VCF-style: chr5-178771148-G-GC.
Other names: c.153dup, p.His52fs (NM_021599.4); short protein forms H52fs.
Identifiers: ClinVar variation 1724357 (VCV001724357.2), dbSNP rs2532190870, ClinGen allele CA2580074170.
Genomic context (GRCh38, chr5:179,344,147, plus strand): 5'-ACACCAAGCGGCCCTGGGCGTCAGTGCGCACGGGCACCGCCAGGATGCGCTCCGCTCCGT[G>GC]CCCCAGGGGCCCGCCTGCAACGGGAAGGGGCGTTAGATCGGCGGAGACCACGGAGCCCCA-3'

ClinVar aggregate classification (germline): Likely pathogenic (1 of 4 stars; one submission).

Conditions:
Ehlers-Danlos syndrome, dermatosparaxis type. Also called: EDS VIIC; Dermatosparaxis; Ehlers-Danlos syndrome, type VII, autosomal recessive. Identifiers: Orphanet 1901, MedGen C2700425, MONDO:0009161, OMIM 225410.

Submission:

Myriad Genetics, Inc.
Classification: Likely pathogenic for Ehlers-Danlos syndrome, dermatosparaxis type. Last evaluated: 2022-02-09. Review status: criteria provided, single submitter. Criteria: Myriad Women's Health Autosomal Recessive and X-Linked Classification Criteria (2021). Collection method: clinical testing. Allele origin: unknown.
Comment: NM_014244.4(ADAMTS2):c.153dupG(H52Afs*14) is expected to be pathogenic in the context of Ehlers-Danlos syndrome type VIIC. This variant is predicted to lead to an abnormal or absent protein product due to the creation of a premature termination codon in ADAMTS2, a gene where loss-of-function variants are known to be pathogenic. Please note: this variant was assessed in the context of healthy population screening.